The following is an entry in ClinVar:

ClinVar aggregate classification (germline): Conflicting classifications of pathogenicity. Review status: criteria provided, conflicting classifications (1 of 4 stars). 2 submissions from 2 submitters: Uncertain significance (1); Likely benign (1). Last evaluated 2024-11-12.

Conditions:
Intellectual developmental disorder, autosomal dominant 6, with or without seizures. Also called: GRIN2B-related developmental delay, intellectual disability and autism spectrum disorder; Intellectual disability, autosomal dominant 6. Identifiers: Orphanet 589547, MedGen C3151411, MONDO:0013509, OMIM 613970.
Developmental and epileptic encephalopathy, 27 (DEE27). Also called: GRIN2B-Related Neurodevelopmental Disorder; Epileptic encephalopathy, early infantile, 27. Identifiers: Orphanet 3451, MedGen C4015316, MONDO:0014505, OMIM 616139.

Allele frequency attached by ClinVar (database versions not stated): gnomAD 0.00001; ExAC 0.00002; TOPMed 0.00002; gnomAD exomes 0.00001 and 0.00003.
gnomAD v4.1: 49 of 1,604,442 alleles (0.0031%); highest among the groups gnomAD compares: African/African-American, 0.004%; no homozygotes.

Submissions (2):

Women's Health and Genetics/Laboratory Corporation of America, LabCorp
Classification: Uncertain significance. Last evaluated: 2024-11-12. Review status: criteria provided, single submitter. Criteria: LabCorp Variant Classification Summary - May 2015. Collection method: clinical testing. Allele origin: germline.
Comment: Variant summary: GRIN2B c.2172-8C>T alters a non-conserved nucleotide located close to a canonical splice site and therefore could affect mRNA splicing, leading to a significantly altered protein sequence. Consensus agreement among computation tools predict no significant impact on normal splicing. However, these predictions have yet to be confirmed by functional studies. The variant allele was found at a frequency of 8e-06 in 250246 control chromosomes (gnomAD). The available data on variant occurrences in the general population are insufficient to allow any conclusion about variant significance. To our knowledge, no occurrence of c.2172-8C>T in individuals affected with mental retardation, autosomal dominant 6 and no experimental evidence demonstrating its impact on protein function have been reported. ClinVar contains an entry for this variant (Variation ID: 307746). Based on the evidence outlined above, the variant was classified as uncertain significance.

Labcorp Genetics (formerly Invitae), Labcorp
Classification: Likely benign for Developmental and epileptic encephalopathy, 27; Intellectual developmental disorder, autosomal dominant 6, with or without seizures. Last evaluated: 2023-02-05. Review status: criteria provided, single submitter. Criteria: Invitae Variant Classification Sherloc (09022015). Collection method: clinical testing. Allele origin: germline.

NM_000834.5(GRIN2B):c.2172-8C>T

Gene: GRIN2B (glutamate ionotropic receptor NMDA type subunit 2B; minus strand). Cytogenetic location: 12p13.1.
Variant type: single nucleotide variant.
Coding change: c.2172-8C>T on transcript NM_000834.5 (MANE Select); 8 bases into the intron before coding-DNA position 2172, C replaced by T.
Molecular consequence: intron variant.
Genome position (GRCh38, 1-based): chr12:13,570,025, G>A on the plus strand (C>T on the coding strand, the complement: GRIN2B is on the minus strand). VCF-style: chr12-13570025-G-A. GRCh37 (hg19) VCF-style: chr12-13722959-G-A.
Identifiers: ClinVar variation 307746 (VCV000307746.10), dbSNP rs751592819, ClinGen allele CA6461098.